The following is an entry in ClinVar:

NM_006397.3(RNASEH2A):c.127+5G>T

Genes: RNASEH2A (ribonuclease H2 subunit A; plus strand), LOC117038795 (CRISPRi-FlowFISH-validated PRDX2 regulatory element 4; plus strand). Cytogenetic location: 19p13.13.
Variant type: single nucleotide variant.
Coding change: c.127+5G>T on transcript NM_006397.3 (MANE Select); 5 bases into the intron after coding-DNA position 127, G replaced by T.
Molecular consequence: intron variant.
Genome position (GRCh38, 1-based): chr19:12,806,805, G>T. VCF-style: chr19-12806805-G-T. GRCh37 (hg19) VCF-style: chr19-12917619-G-T.
Identifiers: ClinVar variation 3766145 (VCV003766145.2).

ClinVar aggregate classification (germline): Likely pathogenic (1 of 4 stars; one submission).

gnomAD v4.1: 3 of 1,582,498 alleles (0.00019%); highest among the groups gnomAD compares: Admixed American, 0.0019%; no homozygotes.

Submission:

GeneDx
Classification: Likely pathogenic. Last evaluated: 2025-02-26. Review status: criteria provided, single submitter. Criteria: GeneDx Variant Classification Process June 2021. Collection method: clinical testing. Allele origin: germline.
Comment: Intronic variant directly or indirectly altering the +5 splice site in a gene for which loss of function is a known mechanism of disease, and splice predictors support a deleterious effect; Not observed at significant frequency in large population cohorts (gnomAD); Has not been previously published as pathogenic or benign to our knowledge